The following is an entry in ClinVar:

NM_003239.5(TGFB3):c.352+2dup

Gene: TGFB3 (transforming growth factor beta 3; minus strand). Cytogenetic location: 14q24.3.
Variant type: Duplication.
Coding change: c.352+2dup on transcript NM_003239.5 (MANE Select); the canonical splice donor site of the intron after coding-DNA position 352, one base duplicated (T; older notation c.352+2dupT).
Molecular consequence: splice donor variant.
Genome position (GRCh38, 1-based): chr14:75,980,540, A duplicated on the plus strand (T on the coding strand, the reverse complement: TGFB3 is on the minus strand). VCF-style (leftmost placement, unchanged base first): chr14-75980539-T-TA. GRCh37 (hg19) VCF-style: chr14-76446882-T-TA.
Other names: c.352+2dup (NM_001329939.2, NM_001329938.2).
Identifiers: ClinVar variation 581794 (VCV000581794.9), dbSNP rs1566686800, ClinGen allele CA891844174.

ClinVar aggregate classification (germline): Uncertain significance (1 of 4 stars; one submission).

Conditions:
Rienhoff syndrome. Also called: LOEYS-DIETZ SYNDROME 5. Identifiers: MedGen C3810012, MONDO:0014262, OMIM 615582.

Submission:

Labcorp Genetics (formerly Invitae), Labcorp
Classification: Uncertain significance for Rienhoff syndrome. Last evaluated: 2022-08-16. Review status: criteria provided, single submitter. Criteria: Invitae Variant Classification Sherloc (09022015). Collection method: clinical testing. Allele origin: germline.
Comment: This variant is not present in population databases (gnomAD no frequency). This sequence change falls in intron 1 of the TGFB3 gene. It does not directly change the encoded amino acid sequence of the TGFB3 protein. It affects a nucleotide within the consensus splice site. This variant has not been reported in the literature in individuals affected with TGFB3-related conditions. In summary, the available evidence is currently insufficient to determine the role of this variant in disease. Therefore, it has been classified as a Variant of Uncertain Significance. Variants that disrupt the consensus splice site are a relatively common cause of aberrant splicing (PMID: 17576681, 9536098). Algorithms developed to predict the effect of sequence changes on RNA splicing suggest that this variant may disrupt the consensus splice site. ClinVar contains an entry for this variant (Variation ID: 581794).

Literature cited by the submitters: PubMed 17576681; PubMed 9536098.